The following is an entry in ClinVar:

NM_007194.4(CHEK2):c.1461+3G>A

Gene: CHEK2 (checkpoint kinase 2; minus strand). Cytogenetic location: 22q12.1.
Variant type: single nucleotide variant.
Coding change: c.1461+3G>A on transcript NM_007194.4 (MANE Select); 3 bases into the intron after coding-DNA position 1461, G replaced by A.
Molecular consequence: intron variant.
Genome position (GRCh38, 1-based): chr22:28,694,029, C>T on the plus strand (G>A on the coding strand, the complement: CHEK2 is on the minus strand). VCF-style: chr22-28694029-C-T. GRCh37 (hg19) VCF-style: chr22-29090017-C-T.
Other names: c.798+3G>A (NM_001437942.1, NM_001257387.3); c.1260+3G>A (NM_001349956.3); c.1374+3G>A (NM_145862.3); c.1467+3G>A (NM_001438295.1); c.1554+3G>A (NM_001438293.1); c.1503+3G>A (NM_001438294.1); c.1590+3G>A (NM_001005735.3).
Identifiers: ClinVar variation 491600 (VCV000491600.5), dbSNP rs1555913067, ClinGen allele CA658684269.

ClinVar aggregate classification (germline): Conflicting classifications of pathogenicity. Review status: criteria provided, conflicting classifications (1 of 4 stars). 3 submissions from 3 submitters: Uncertain significance (1); Likely benign (2). Last evaluated 2025-12-21.

Conditions:
Hereditary cancer-predisposing syndrome. Also called: Hereditary neoplastic syndrome; Tumor predisposition; Hereditary Cancer Syndrome; Neoplastic Syndromes, Hereditary. Identifiers: Orphanet 140162, MedGen C0027672, MeSH D009386, MONDO:0015356.
Familial cancer of breast. Also called: Hereditary breast cancer; hereditary breast carcinoma; BREAST CANCER, FAMILIAL. Identifiers: Orphanet 227535, MedGen C0346153, MONDO:0016419, OMIM 114480. Disease mechanism: loss of function.

gnomAD v4.1: 1 of 1,590,422 alleles (0.000063%); highest among the groups gnomAD compares: Non-Finnish European, 0.000085%; no homozygotes.

Submissions (3):

Labcorp Genetics (formerly Invitae), Labcorp
Classification: Uncertain significance for Familial cancer of breast. Last evaluated: 2025-12-21. Review status: criteria provided, single submitter. Criteria: Invitae Variant Classification Sherloc (09022015). Collection method: clinical testing. Allele origin: germline.
Comment: This sequence change falls in intron 13 of the CHEK2 gene. It does not directly change the encoded amino acid sequence of the CHEK2 protein. It affects a nucleotide within the consensus splice site. This variant is not present in population databases (gnomAD no frequency). This variant has not been reported in the literature in individuals affected with CHEK2-related conditions. ClinVar contains an entry for this variant (Variation ID: 491600). Variants that disrupt the consensus splice site are a relatively common cause of aberrant splicing (PMID: 17576681, 9536098). Algorithms developed to predict the effect of sequence changes on RNA splicing suggest that this variant is not likely to affect RNA splicing. In summary, the available evidence is currently insufficient to determine the role of this variant in disease. Therefore, it has been classified as a Variant of Uncertain Significance.

Myriad Genetics, Inc.
Classification: Likely benign for Familial cancer of breast. Last evaluated: 2024-10-08. Review status: criteria provided, single submitter. Criteria: Myriad Autosomal Dominant, Autosomal Recessive and X-Linked Classification Criteria (2023). Collection method: clinical testing. Allele origin: unknown.
Comment: This variant is considered likely benign. This variant is intronic and is not expected to impact mRNA splicing.

Color Diagnostics, LLC DBA Color Health
Classification: Likely benign for Hereditary cancer-predisposing syndrome. Last evaluated: 2017-10-16. Review status: criteria provided, single submitter. Criteria: ACMG Guidelines, 2015. Collection method: clinical testing. Allele origin: germline.

Literature cited by the submitters: PubMed 17576681 (cited by Labcorp Genetics (formerly Invitae), Labcorp); PubMed 9536098 (cited by Labcorp Genetics (formerly Invitae), Labcorp).